The following is an entry in ClinVar:

NM_000020.3(ACVRL1):c.824T>C (p.Leu275Pro)

Gene: ACVRL1 (activin A receptor like type 1; plus strand). Cytogenetic location: 12q13.13.
Variant type: single nucleotide variant.
Coding change: c.824T>C on transcript NM_000020.3 (MANE Select); coding-DNA position 824, T replaced by C.
Protein change: p.Leu275Pro; replaces leucine 275 with proline.
Molecular consequence: missense variant.
Genome position (GRCh38, 1-based): chr12:51,915,276, T>C. VCF-style: chr12-51915276-T-C. GRCh37 (hg19) VCF-style: chr12-52309060-T-C.
Other names: c.824T>C, p.Leu275Pro (NM_001077401.2, NM_001406487.1, NM_001406488.1 and 1 more transcripts); c.512T>C, p.Leu171Pro (NM_001406490.1, NM_001406491.1, NM_001406492.1 and 2 more transcripts); c.260T>C, p.Leu87Pro (NM_001406495.1); short protein forms L171P, L275P, L87P.
Identifiers: ClinVar variation 1762627 (VCV001762627.5), dbSNP rs2540164174, ClinGen allele CA384900458.
Genomic context (GRCh38, chr12:51,915,276, plus strand): 5'-TGCACACAGGCTTCATCGCCTCAGACATGACCTCCCGCAACTCGAGCACGCAGCTGTGGC[T>C]CATCACGCACTACCACGAGCACGGCTCCCTCTACGACTTTCTGCAGAGACAGACGCTGGA-3'
Protein context (NP_000011.2, residues 265-285): TSRNSSTQLW[Leu275Pro]ITHYHEHGSL

ClinVar aggregate classification (germline): Conflicting classifications of pathogenicity. Review status: criteria provided, conflicting classifications (1 of 4 stars). 2 submissions from 2 submitters: Likely pathogenic (1); Uncertain significance (1). Last evaluated 2024-02-12.

Conditions:
Cardiovascular phenotype. Identifiers: MedGen CN230736.
Telangiectasia, hereditary hemorrhagic, type 2 (HHT2). Also called: ACVRL1-Related Hereditary Hemorrhagic Telangiectasia; Telangiectasia, hereditary hemorrhagic, type II. Identifiers: Orphanet 774, MedGen C1838163, MONDO:0010880, OMIM 600376. Disease mechanism: loss of function.

Submissions (2):

Labcorp Genetics (formerly Invitae), Labcorp
Classification: Uncertain significance for Telangiectasia, hereditary hemorrhagic, type 2. Last evaluated: 2024-02-12. Review status: criteria provided, single submitter. Criteria: Invitae Variant Classification Sherloc (09022015). Collection method: clinical testing. Allele origin: germline.
Comment: This sequence change replaces leucine, which is neutral and non-polar, with proline, which is neutral and non-polar, at codon 275 of the ACVRL1 protein (p.Leu275Pro). This variant is not present in population databases (gnomAD no frequency). This variant has not been reported in the literature in individuals affected with ACVRL1-related conditions. ClinVar contains an entry for this variant (Variation ID: 1762627). Advanced modeling of protein sequence and biophysical properties (such as structural, functional, and spatial information, amino acid conservation, physicochemical variation, residue mobility, and thermodynamic stability) performed at Invitae indicates that this missense variant is expected to disrupt ACVRL1 protein function with a positive predictive value of 95%. In summary, the available evidence is currently insufficient to determine the role of this variant in disease. Therefore, it has been classified as a Variant of Uncertain Significance.

Ambry Genetics
Classification: Likely pathogenic for Cardiovascular phenotype. Last evaluated: 2020-11-23. Review status: criteria provided, single submitter. Criteria: Ambry Variant Classification Scheme 2023. Collection method: clinical testing. Allele origin: germline.
Comment: The p.L275P variant (also known as c.824T>C), located in coding exon 6 of the ACVRL1 gene, results from a T to C substitution at nucleotide position 824. The leucine at codon 275 is replaced by proline, an amino acid with similar properties. Based on internal structural analysis, the alteration destabilizes the ATP-binding site of the kinase domain in ACVRL1 (Kerr G et al. Angiogenesis, 2015 Apr;18:209-17). This variant was not reported in population-based cohorts in the Genome Aggregation Database (gnomAD). This amino acid position is highly conserved in available vertebrate species. In addition, this alteration is predicted to be deleterious by in silico analysis. Based on the majority of available evidence to date, this variant is likely to be pathogenic.

Literature cited by the submitters: PubMed 25557927 (cited by Ambry Genetics).